The following is an entry in ClinVar:

NM_000235.4(LIPA):c.685G>T (p.Gly229Ter)

Gene: LIPA (lipase A, lysosomal acid type; minus strand). Cytogenetic location: 10q23.31.
Variant type: single nucleotide variant.
Coding change: c.685G>T on transcript NM_000235.4 (MANE Select); coding-DNA position 685, G replaced by T.
Protein change: p.Gly229Ter; replaces glycine 229 with a stop codon.
Molecular consequence: nonsense.
Genome position (GRCh38, 1-based): chr10:89,223,821, C>A on the plus strand (G>T on the coding strand, the complement: LIPA is on the minus strand). VCF-style: chr10-89223821-C-A. GRCh37 (hg19) VCF-style: chr10-90983578-C-A.
Other names: c.685G>T, p.Gly229Ter (NM_001127605.3); c.337G>T, p.Gly113Ter (NM_001288979.2); short protein forms G113*, G229*.
Identifiers: ClinVar variation 1725269 (VCV001725269.2), dbSNP rs777446550, ClinGen allele CA377517114.

ClinVar aggregate classification (germline): Likely pathogenic (1 of 4 stars; one submission).

Conditions:
Lysosomal acid lipase deficiency. Also called: Acid cholesteryl ester hydrolase deficiency, type 2. Identifiers: Orphanet 275761, MedGen C5574740, MONDO:0800449, MONDO:0010204.

Submission:

Myriad Genetics, Inc.
Classification: Likely pathogenic for Cholesteryl ester storage disease. Last evaluated: 2022-03-15. Review status: criteria provided, single submitter. Criteria: Myriad Women's Health Autosomal Recessive and X-Linked Classification Criteria (2021). Collection method: clinical testing. Allele origin: unknown.
Comment: NM_000235.2(LIPA):c.685G>T(G229*) is expected to be pathogenic in the context of lysosomal acid lipase deficiency. This variant is predicted to lead to an abnormal or absent protein product due to the creation of a premature termination codon in LIPA, a gene where loss-of-function variants are known to be pathogenic. Please note: this variant was assessed in the context of healthy population screening.